The following is an entry in ClinVar:

NM_001042492.3(NF1):c.512A>G (p.Asn171Ser)

Gene: NF1 (neurofibromin 1; plus strand). Cytogenetic location: 17q11.2.
Variant type: single nucleotide variant.
Coding change: c.512A>G on transcript NM_001042492.3 (MANE Select); coding-DNA position 512, A replaced by G.
Protein change: p.Asn171Ser; replaces asparagine 171 with serine.
Molecular consequence: missense variant.
Genome position (GRCh38, 1-based): chr17:31,169,923, A>G. VCF-style: chr17-31169923-A-G. GRCh37 (hg19) VCF-style: chr17-29496941-A-G.
Other names: c.512A>G, p.Asn171Ser (NM_000267.4, NM_001128147.3); short protein forms N171S.
Identifiers: ClinVar variation 187007 (VCV000187007.15), dbSNP rs767500770, ClinGen allele CA196478.

ClinVar aggregate classification (germline): Conflicting classifications of pathogenicity. Review status: criteria provided, conflicting classifications (1 of 4 stars). 6 submissions from 5 submitters: Uncertain significance (4); Benign (1); Likely benign (1). Last evaluated 2026-01-01.

Conditions:
Hereditary cancer-predisposing syndrome. Also called: Hereditary Cancer Syndrome; Neoplastic Syndromes, Hereditary; Tumor predisposition; Hereditary neoplastic syndrome. Identifiers: Orphanet 140162, MedGen C0027672, MeSH D009386, MONDO:0015356.
Cardiovascular phenotype. Identifiers: MedGen CN230736.
Neurofibromatosis, type 1 (NF1). Also called: NEUROFIBROMATOSIS, TYPE I, SOMATIC; VON RECKLINGHAUSEN DISEASE; Peripheral type neurofibromatosis; Neurofibromatosis, type I. Identifiers: Orphanet 636, MedGen C0027831, MONDO:0018975, OMIM 162200. Disease mechanism: loss of function.

Allele frequency attached by ClinVar (database versions not stated): TOPMed below 0.00001; ExAC 0.00002; gnomAD exomes 0.00002.
gnomAD v4.1: 30 of 1,497,272 alleles (0.002%); highest among the groups gnomAD compares: Non-Finnish European, 0.0026%; no homozygotes.

Submissions (6):

Labcorp Genetics (formerly Invitae), Labcorp
Classification: Benign for Neurofibromatosis, type 1. Last evaluated: 2026-01-01. Review status: criteria provided, single submitter. Criteria: Invitae Variant Classification Sherloc (09022015). Collection method: clinical testing. Allele origin: germline.

Ambry Genetics
Classification: Likely benign for Cardiovascular phenotype; Hereditary cancer-predisposing syndrome. Last evaluated: 2025-03-07. Review status: criteria provided, single submitter. Criteria: Ambry Variant Classification Scheme 2023. Collection method: clinical testing. Allele origin: germline.

Genome-Nilou Lab
Classification: Uncertain significance for Neurofibromatosis, type 1. Last evaluated: 2022-03-15. Review status: criteria provided, single submitter. Criteria: ACMG Guidelines, 2015. Collection method: clinical testing. Allele origin: germline. Affected: no.

Sema4
Classification: Uncertain significance for Hereditary cancer-predisposing syndrome. Last evaluated: 2022-01-04. Review status: criteria provided, single submitter. Criteria: Sema4 Curation Guidelines. Collection method: curation. Allele origin: germline.
Comment: To the best of our knowledge, the NF1 c.512A>G (p.N171S) variant has not been reported in individuals with NF1-related disease. This variant has been reported in 4/113558 chromosomes in the Non-Finnish European subpopulation in the large and broad cohorts of the Genome Aggregation Database (PMID: 32461654). This variant has been reported in ClinVar (Variation ID: 187007). Functional studies have not been performed, and in silico predictions of the variant's effect on protein function are inconclusive. The evidence is insufficient to meet ACMG/AMP criteria for classifying the variant as benign or pathogenic. Thus, the clinical significance of this variant is currently uncertain.

GeneDx
Classification: Uncertain significance. Last evaluated: 2018-04-04. Review status: criteria provided, single submitter. Criteria: GeneDx Variant Classification (06012015). Collection method: clinical testing. Allele origin: germline. Affected: yes.
Comment: This variant is denoted NF1 c.512A>G at the cDNA level, p.Asn171Ser (N171S) at the protein level, and results in the change of an Asparagine to a Serine (AAT>AGT). This variant has not, to our knowledge, been published in the literature as pathogenic or benign. NF1 Asn171Ser was not observed at a significant allele frequency in large population cohorts (Lek 2016). This variant is not located in a known functional domain. In silico analysis, which includes protein predictors and evolutionary conservation, supports a deleterious effect. Based on currently available evidence, it is unclear whether NF1 Asn171Ser is a pathogenic or benign variant. We consider it to be a variant of uncertain significance.

Ambry Genetics
Classification: Uncertain significance for Hereditary cancer-predisposing syndrome. Last evaluated: 2014-11-13. Review status: criteria provided, single submitter. Criteria: Ambry Autosomal Dominant and X-Linked criteria (10/2015). Collection method: clinical testing. Allele origin: germline. Observed: 1 variant allele.
Comment: The p.N171S variant (also known as c.512A>G), located in coding exon 5 of the NF1 gene, results from an A to G substitution at nucleotide position 512. The asparagine at codon 171 is replaced by serine, an amino acid with highly similar properties. This variant was not reported in population based cohorts in the following databases: Database of Single Nucleotide Polymorphisms (dbSNP), NHLBI Exome Sequencing Project (ESP), and 1000 Genomes Project. In the ESP, this variant was not observed in 6503 samples (13006 alleles) with coverage at this position.<span style="background-color: initial;">To date, this alteration has been detected with an allele frequency of approximately 0.01% (greater than 11000 alleles tested) in our clinical cohort.<span style="background-color: initial;">This amino acid position is well conserved in available vertebrate species. In addition, this alteration is predicted to be tolerated by in silico analysis.<span style="background-color: initial;">Since supporting evidence is limited at this time, the clinical significance of p.N171S remains unclear.

Literature cited by the submitters: PubMed 36243179 (cited by Ambry Genetics).